The following is an entry in ClinVar:

NM_001148.6(ANK2):c.2282_2289del (p.Gly761fs)

Gene: ANK2 (ankyrin 2; plus strand). Cytogenetic location: 4q26.
Variant type: Deletion.
Coding change: c.2282_2289del on transcript NM_001148.6 (MANE Select); coding-DNA positions 2282 to 2289, 8 bases deleted (GCTACACG; older notation c.2282_2289delGCTACACG).
Protein change: p.Gly761fs; shifts the reading frame from glycine 761.
Molecular consequence: frameshift variant.
Genome position (GRCh38, 1-based): chr4:113,292,420-113,292,427, GCTACACG deleted; deleting any 8 consecutive bases within chr4:113,292,417-113,292,427 gives the same sequence; the c. name uses the placement nearest the transcript's 3' end. VCF-style (leftmost placement, unchanged base first): chr4-113292416-AACGGCTAC-A. GRCh37 (hg19) VCF-style: chr4-114213572-AACGGCTAC-A.
Other names: c.2195_2202del, p.Gly732fs (NM_001354266.2, NM_001354267.2, NM_001354276.2 and 10 more transcripts); c.2183_2190del, p.Gly728fs (NM_001354268.2, NM_001354245.2); c.1997_2004del, p.Gly666fs (NM_001354277.2, NM_001386157.1); c.2219_2226del, p.Gly740fs (NM_001386143.1, NM_001354272.2, NM_001354275.2 and 10 more transcripts); c.2327_2334del, p.Gly776fs (NM_001386144.1, NM_001354230.2, NM_001354231.2 and 5 more transcripts); c.2096_2103del, p.Gly699fs (NM_001354271.2, NM_001354260.2, NM_001386151.1); c.2084_2091del, p.Gly695fs (NM_001354273.2); c.2240_2247del, p.Gly747fs (NM_001386147.1, NM_001354261.2, NM_001386160.1); and 8 more; short protein forms G691fs, G747fs, G666fs, G728fs, G757fs, G749fs, G770fs, G776fs.
Identifiers: ClinVar variation 2544521 (VCV002544521.3), dbSNP rs2497089116, ClinGen allele CA2580616758.

ClinVar aggregate classification (germline): Pathogenic (1 of 4 stars; one submission).

Conditions:
Cardiovascular phenotype. Identifiers: MedGen CN230736.

Submission:

Ambry Genetics
Classification: Pathogenic for Cardiovascular phenotype. Last evaluated: 2023-06-15. Review status: criteria provided, single submitter. Criteria: Ambry Variant Classification Scheme 2023. Collection method: clinical testing. Allele origin: germline.
Comment: The c.2282_2289delGCTACACG (p.G761Afs*39) alteration, located in exon 21 (coding exon 21) of the ANK2 gene, consists of a deletion of 8 nucleotides from position 2282 to 2289, causing a translational frameshift with a predicted alternate stop codon after 39 amino acids. This alteration is expected to result in loss of function by premature protein truncation or nonsense-mediated mRNA decay. This variant was not reported in population-based cohorts in the Genome Aggregation Database (gnomAD). Based on the available evidence, this alteration is classified as pathogenic.